The following is an entry in ClinVar:

NM_145068.4(TRPV3):c.1895T>C (p.Leu632Pro)

Gene: TRPV3 (transient receptor potential cation channel subfamily V member 3; minus strand). Cytogenetic location: 17p13.2.
Variant type: single nucleotide variant.
Coding change: c.1895T>C on transcript NM_145068.4 (MANE Select); coding-DNA position 1895, T replaced by C.
Protein change: p.Leu632Pro; replaces leucine 632 with proline.
Molecular consequence: missense variant.
Genome position (GRCh38, 1-based): chr17:3,518,766, A>G on the plus strand (T>C on the coding strand, the complement: TRPV3 is on the minus strand). VCF-style: chr17-3518766-A-G. GRCh37 (hg19) VCF-style: chr17-3422060-A-G.
Other names: c.1895T>C, p.Leu632Pro (NM_001258205.2); short protein forms L632P.
Identifiers: ClinVar variation 3720813 (VCV003720813.2).

ClinVar aggregate classification (germline): Uncertain significance (1 of 4 stars; one submission).

gnomAD v4.1: 3 of 1,614,108 alleles (0.00019%); highest among the groups gnomAD compares: Non-Finnish European, 0.00025%; no homozygotes.

Submission:

Labcorp Genetics (formerly Invitae), Labcorp
Classification: Uncertain significance. Last evaluated: 2024-10-04. Review status: criteria provided, single submitter. Criteria: Invitae Variant Classification Sherloc (09022015). Collection method: clinical testing. Allele origin: germline.
Comment: This sequence change replaces leucine, which is neutral and non-polar, with proline, which is neutral and non-polar, at codon 632 of the TRPV3 protein (p.Leu632Pro). This variant is not present in population databases (gnomAD no frequency). This variant has not been reported in the literature in individuals affected with TRPV3-related conditions. Invitae Evidence Modeling of protein sequence and biophysical properties (such as structural, functional, and spatial information, amino acid conservation, physicochemical variation, residue mobility, and thermodynamic stability) indicates that this missense variant is expected to disrupt TRPV3 protein function with a positive predictive value of 95%. In summary, the available evidence is currently insufficient to determine the role of this variant in disease. Therefore, it has been classified as a Variant of Uncertain Significance.